The following is an entry in ClinVar:

NM_024753.5(TTC21B):c.2587C>T (p.Arg863Trp)

Gene: TTC21B (tetratricopeptide repeat domain 21B; minus strand). Cytogenetic location: 2q24.3.
Variant type: single nucleotide variant.
Coding change: c.2587C>T on transcript NM_024753.5 (MANE Select); coding-DNA position 2587, C replaced by T.
Protein change: p.Arg863Trp; replaces arginine 863 with tryptophan.
Molecular consequence: missense variant.
Genome position (GRCh38, 1-based): chr2:165,901,892, G>A on the plus strand (C>T on the coding strand, the complement: TTC21B is on the minus strand). VCF-style: chr2-165901892-G-A. GRCh37 (hg19) VCF-style: chr2-166758402-G-A.
Other names: short protein forms R863W.
Identifiers: ClinVar variation 195531 (VCV000195531.59), dbSNP rs34489989, ClinGen allele CA241983.

ClinVar aggregate classification (germline): Conflicting classifications of pathogenicity. Review status: criteria provided, conflicting classifications (1 of 4 stars). 13 submissions from 12 submitters: Uncertain significance (7); Likely benign (3). 3 of the submissions do not count toward it. Last evaluated 2026-07-01.

Conditions:
TTC21B-related disorder. Also called: TTC21B-related condition; TTC21B-related disorders.
Nephronophthisis. Also called: Juvenile Nephronophthisis. Identifiers: Orphanet 655, MedGen C0687120, MONDO:0019005, HP:0000090.
Jeune thoracic dystrophy. Also called: Infantile thoracic dystrophy; Thoracic pelvic phalangeal dystrophy; Jeune's syndrome; Chondroectodermal dysplasia-like syndrome; Jeune syndrome; Short-rib thoracic dysplasia. Identifiers: Orphanet 474, MedGen C0265275, MONDO:0018770.
Asphyxiating thoracic dystrophy 4 (SRTD4). Also called: SHORT-RIB THORACIC DYSPLASIA 4 WITH OR WITHOUT POLYDACTYLY; SHORT-RIB THORACIC DYSPLASIA 4. Identifiers: Orphanet 474, MedGen C3151185, MONDO:0013441, OMIM 613819.
Nephronophthisis 12 (NPHP12). Identifiers: Orphanet 655, MedGen C3151186, MONDO:0013442, OMIM 613820.

Allele frequency attached by ClinVar (database versions not stated): 1000 Genomes Project 0.00020; ExAC 0.00069; gnomAD exomes 0.00082 and 0.00192; TOPMed 0.00098; gnomAD 0.00104 and 0.00108; ESP Exome Variant Server 0.00208.
gnomAD v4.1: 2,900 of 1,613,102 alleles (0.18%); highest among the groups gnomAD compares: Non-Finnish European, 0.24%; 3 homozygotes.

Submissions (13):

CeGaT Center for Human Genetics Tuebingen
Classification: Likely benign. Last evaluated: 2026-07-01. Review status: criteria provided, single submitter. Criteria: CeGaT Center For Human Genetics Tuebingen Variant Classification Criteria Version 2. Collection method: clinical testing. Allele origin: germline. Affected: yes. Observed: 2 variant alleles.
Comment: TTC21B: BS2

Labcorp Genetics (formerly Invitae), Labcorp
Classification: Likely benign for Jeune thoracic dystrophy; Nephronophthisis. Last evaluated: 2026-01-27. Review status: criteria provided, single submitter. Criteria: Invitae Variant Classification Sherloc (09022015). Collection method: clinical testing. Allele origin: germline.

GeneDx
Classification: Uncertain significance. Last evaluated: 2025-06-04. Review status: criteria provided, single submitter. Criteria: GeneDx Variant Classification Process June 2021. Collection method: clinical testing. Allele origin: germline. Affected: yes.
Comment: In silico analysis supports that this missense variant has a deleterious effect on protein structure/function; Reported previously in the heterozygous state in an individual with Bardet-Biedl syndrome; however, no second variant was identified (PMID: 22773737); This variant is associated with the following publications: (PMID: 22773737, 21258341, 24876116)

Blueprint Genetics
Classification: Likely benign. Last evaluated: 2024-10-30. Review status: criteria provided, single submitter. Criteria: ACMG Guidelines, 2015. Collection method: clinical testing. Allele origin: germline.

Victorian Clinical Genetics Services, Murdoch Childrens Research Institute
Classification: Uncertain significance for Asphyxiating thoracic dystrophy 4. Last evaluated: 2021-05-06. Review status: criteria provided, single submitter. Criteria: ACMG Guidelines, 2015. Collection method: clinical testing. Allele origin: germline.
Comment: Based on the classification scheme VCGS_Germline_v1.3.4, this variant is classified as VUS-3B. Following criteria are met: 0102 - Loss of function is a known mechanism of disease in this gene and is associated with nephronophthisis 12 (MIM#613820), short-rib thoracic dysplasia 4 with or without polydactyly (MIM#613819) and familial focal segmental glomerulosclerosis (FSGS). Partial loss of function has also been described, and associated with hypomorphic variants in this gene (OMIM, PMIDs: 24876116, 21258341). (I) 0106 - This gene is associated with autosomal recessive disease. Although OMIM refers to the association of this gene with autosomal dominant nephronophthisis 12 (MIM#613820), no specific evidence was found in the literature confirming this observation. (I) 0200 - Variant is predicted to result in a missense amino acid change from arginine to tryptophan. (I) 0251 - This variant is heterozygous. (I) 0304 - Variant is present in gnomAD <0.01 for a recessive condition (v2: 237 heterozygotes, 0 homozygotes). (SP) 0309 - An alternative amino acid change at the same position has been observed in gnomAD (v2) (p.R863Q: 11 heterozygotes, 0 homozygotes). (I) 0501 - Missense variant consistently predicted to be damaging by multiple in silico tools or highly conserved with a major amino acid change. (SP) 0600 - Variant is located in the annotated TPR-repeat motif (UniProt). (I) 0705 - No comparable missense variants have previous evidence for pathogenicity. (I) 0809 - Previous evidence of pathogenicity for this variant is inconclusive. This variant has been classified as a variant of uncertain significance by clinical diagnostic laboratories and is heterozygous in one individual with autosomal recessive Bardet-Biedl syndrome, with no classification provided (ClinVar, PMID: 22773737). (I) 0905 - No published segregation evidence has been identified for this variant. (I) 1007 - No published functional evidence has been identified for this variant. (I) Legend: (SP) - Supporting pathogenic, (I) - Information, (SB) - Supporting benign

Revvity Omics, Revvity
Classification: Uncertain significance. Last evaluated: 2020-02-19. Review status: criteria provided, single submitter. Criteria: ACMG Guidelines, 2015. Collection method: clinical testing. Allele origin: germline.

ARUP Laboratories, Molecular Genetics and Genomics, ARUP Laboratories
Classification: Uncertain significance. Last evaluated: 2019-12-10. Review status: criteria provided, single submitter. Criteria: ARUP Molecular Germline Variant Investigation Process. Collection method: clinical testing. Allele origin: germline.
Comment: The TTC21B c.2587C>T; p.Arg863Trp variant (rs34489989) has been described in an individual who reportedly fulfilled diagnostic inclusion criteria for Bardet-Biedl syndrome (Redin 2012). It is reported as a variant of uncertain significance by multiple laboratories in ClinVar (Variation ID: 195531), and is observed in the general population at an overall frequency of 0.084% (237/282480 alleles), with increased frequency in the non-Finnish European population (0.17%) in the Genome Aggregation Database. The arginine at codon 863 is highly conserved, and computational algorithms (PolyPhen-2, SIFT) predict that this variant is deleterious to protein structure/function. However, due to limited information regarding this variant, its clinical significance cannot be determined with certainty. References: Redin C et al. Targeted high-throughput sequencing for diagnosis of genetically heterogeneous diseases: efficient mutation detection in Bardet-Biedl and AlstrÃ¶m syndromes. J Med Genet 2012;9(8):502-512.

Illumina Laboratory Services, Illumina
Classification: Uncertain significance for Asphyxiating thoracic dystrophy 4. Last evaluated: 2018-01-13. Review status: criteria provided, single submitter. Criteria: ICSL Variant Classification Criteria 13 December 2019. Collection method: clinical testing. Allele origin: germline.

Illumina Laboratory Services, Illumina
Classification: Uncertain significance for Nephronophthisis 12. Last evaluated: 2018-01-13. Review status: criteria provided, single submitter. Criteria: ICSL Variant Classification Criteria 13 December 2019. Collection method: clinical testing. Allele origin: germline.

Eurofins Ntd Llc (ga)
Classification: Uncertain significance. Last evaluated: 2016-11-02. Review status: criteria provided, single submitter. Criteria: EGL Classification Definitions 2015. Collection method: clinical testing. Allele origin: germline. Observed: 2 variant alleles, 2 heterozygotes.

PreventionGenetics, part of Exact Sciences
Classification: Likely benign for TTC21B-related condition. Last evaluated: 2024-01-31. Review status: no assertion criteria provided. Collection method: clinical testing. Allele origin: germline. Not counted in ClinVar's aggregate classification.
Comment: This variant is classified as likely benign based on ACMG/AMP sequence variant interpretation guidelines (Richards et al. 2015 PMID: 25741868, with internal and published modifications).

Diagnostic Laboratory, Department of Genetics, University Medical Center Groningen
Classification: Uncertain significance. Review status: no assertion criteria provided. Collection method: clinical testing. Allele origin: germline. Affected: yes. Study: VKGL Data-share Consensus. Not counted in ClinVar's aggregate classification.

Laboratory of Diagnostic Genome Analysis, Leiden University Medical Center (LUMC)
Classification: Uncertain significance. Review status: no assertion criteria provided. Collection method: clinical testing. Allele origin: germline. Affected: yes. Study: VKGL Data-share Consensus. Not counted in ClinVar's aggregate classification.

Literature cited by the submitters: PubMed 24876116 (cited by Victorian Clinical Genetics Services, Murdoch Childrens Research Institute); PubMed 21258341 (cited by Victorian Clinical Genetics Services, Murdoch Childrens Research Institute); PubMed 22773737 (cited by Victorian Clinical Genetics Services, Murdoch Childrens Research Institute).